The following is an entry in ClinVar:

ClinVar aggregate classification (germline): Uncertain significance. Review status: criteria provided, multiple submitters, no conflicts (2 of 4 stars). 3 submissions from 3 submitters: Uncertain significance (3). Last evaluated 2025-11-17.

Conditions:
Hypertrophic cardiomyopathy 12. Identifiers: MedGen C2677491, MONDO:0012804, OMIM 612124.
Dilated cardiomyopathy 1M (CMD1M). Identifiers: Orphanet 154, MedGen C1843808, MONDO:0011840, OMIM 607482.
Cardiovascular phenotype. Identifiers: MedGen CN230736.

Allele frequency attached by ClinVar (database versions not stated): gnomAD exomes below 0.00001; TOPMed below 0.00001.
gnomAD v4.1: 1 of 1,614,152 alleles (0.000062%); highest among the groups gnomAD compares: Non-Finnish European, 0.000085%; no homozygotes.

Submissions (3):

Labcorp Genetics (formerly Invitae), Labcorp
Classification: Uncertain significance for Hypertrophic cardiomyopathy 12; Dilated cardiomyopathy 1M. Last evaluated: 2025-11-17. Review status: criteria provided, single submitter. Criteria: Invitae Variant Classification Sherloc (09022015). Collection method: clinical testing. Allele origin: germline.
Comment: This sequence change replaces glycine, which is neutral and non-polar, with glutamic acid, which is acidic and polar, at codon 184 of the CSRP3 protein (p.Gly184Glu). This variant is not present in population databases (gnomAD no frequency). This variant has not been reported in the literature in individuals affected with CSRP3-related conditions. ClinVar contains an entry for this variant (Variation ID: 1677636). An algorithm developed to predict the effect of missense changes on protein structure and function (PolyPhen-2) suggests that this variant is likely to be disruptive. In summary, the available evidence is currently insufficient to determine the role of this variant in disease. Therefore, it has been classified as a Variant of Uncertain Significance.

Ambry Genetics
Classification: Uncertain significance for Cardiovascular phenotype. Last evaluated: 2023-10-10. Review status: criteria provided, single submitter. Criteria: Ambry Variant Classification Scheme 2023. Collection method: clinical testing. Allele origin: germline.
Comment: The p.G184E variant (also known as c.551G>A), located in coding exon 5 of the CSRP3 gene, results from a G to A substitution at nucleotide position 551. The glycine at codon 184 is replaced by glutamic acid, an amino acid with similar properties. This amino acid position is conserved. In addition, this alteration is predicted to be deleterious by in silico analysis. Since supporting evidence is limited at this time, the clinical significance of this alteration remains unclear.

AiLife Diagnostics
Classification: Uncertain significance. Last evaluated: 2021-11-20. Review status: criteria provided, single submitter. Criteria: ACMG Guidelines, 2015. Collection method: clinical testing. Allele origin: germline. Affected: yes. Observed: 1 variant allele.

NM_003476.5(CSRP3):c.551G>A (p.Gly184Glu)

Gene: CSRP3 (cysteine and glycine rich protein 3; minus strand). Cytogenetic location: 11p15.1.
Variant type: single nucleotide variant.
Coding change: c.551G>A on transcript NM_003476.5 (MANE Select); coding-DNA position 551, G replaced by A.
Protein change: p.Gly184Glu; replaces glycine 184 with glutamic acid.
Molecular consequence: missense variant.
Genome position (GRCh38, 1-based): chr11:19,182,704, C>T on the plus strand (G>A on the coding strand, the complement: CSRP3 is on the minus strand). VCF-style: chr11-19182704-C-T. GRCh37 (hg19) VCF-style: chr11-19204251-C-T.
Other names: c.382G>A, p.Glu128Lys (NM_001369404.1); c.551G>A (NM_003476.3); short protein forms E128K, G184E.
Identifiers: ClinVar variation 1677636 (VCV001677636.4), dbSNP rs943580857, ClinGen allele CA218632004.